The following is an entry in ClinVar:

NM_016156.6(MTMR2):c.485G>A (p.Arg162Gln)

Gene: MTMR2 (myotubularin related protein 2; minus strand). Cytogenetic location: 11q21.
Variant type: single nucleotide variant.
Coding change: c.485G>A on transcript NM_016156.6 (MANE Select); coding-DNA position 485, G replaced by A.
Protein change: p.Arg162Gln; replaces arginine 162 with glutamine.
Molecular consequence: missense variant.
Genome position (GRCh38, 1-based): chr11:95,858,616, C>T on the plus strand (G>A on the coding strand, the complement: MTMR2 is on the minus strand). VCF-style: chr11-95858616-C-T. GRCh37 (hg19) VCF-style: chr11-95591780-C-T.
Other names: c.269G>A, p.Arg90Gln (NM_001243571.2, NM_201278.3, NM_201281.3); short protein forms R162Q, R90Q.
Identifiers: ClinVar variation 1516834 (VCV001516834.8), dbSNP rs756723587, ClinGen allele CA6240308.

ClinVar aggregate classification (germline): Uncertain significance (1 of 4 stars; one submission).

Conditions:
Charcot-Marie-Tooth disease type 4. Also called: Charcot-Marie-Tooth, Type 4; Charcot-Marie-Tooth disease, type IV. Identifiers: Orphanet 64749, MedGen C4082197, MONDO:0018995.

Allele frequency attached by ClinVar (database versions not stated): TOPMed below 0.00001; ExAC 0.00001; gnomAD exomes 0.00002.

Submission:

Labcorp Genetics (formerly Invitae), Labcorp
Classification: Uncertain significance for Charcot-Marie-Tooth disease type 4. Last evaluated: 2021-05-13. Review status: criteria provided, single submitter. Criteria: Invitae Variant Classification Sherloc (09022015). Collection method: clinical testing. Allele origin: germline.
Comment: In summary, the available evidence is currently insufficient to determine the role of this variant in disease. Therefore, it has been classified as a Variant of Uncertain Significance. Advanced modeling of protein sequence and biophysical properties (such as structural, functional, and spatial information, amino acid conservation, physicochemical variation, residue mobility, and thermodynamic stability) performed at Invitae indicates that this missense variant is not expected to disrupt MTMR2 protein function. This variant has not been reported in the literature in individuals with MTMR2-related conditions. This variant is present in population databases (rs756723587, ExAC 0.006%). This sequence change replaces arginine with glutamine at codon 162 of the MTMR2 protein (p.Arg162Gln). The arginine residue is highly conserved and there is a small physicochemical difference between arginine and glutamine.